The following is an entry in ClinVar:

ClinVar aggregate classification (germline): Uncertain significance (1 of 4 stars; one submission).

Conditions:
Wilson-Turner syndrome (WTS). Also called: MENTAL RETARDATION, X-LINKED, SYNDROMIC 6; INTELLECTUAL DEVELOPMENTAL DISORDER, X-LINKED, SYNDROMIC, WILSON-TURNER TYPE. Identifiers: Orphanet 3459, MedGen C1839736, MONDO:0010665, OMIM 309585.

Allele frequency attached by ClinVar (database versions not stated): gnomAD exomes 0.00001; TOPMed 0.00002; ExAC 0.00003; gnomAD 0.00003; 1000 Genomes Project 0.00026; 1000 Genomes Project 30x 0.00042.
gnomAD v4.1: 17 of 1,209,711 alleles (0.0014%); highest among the groups gnomAD compares: Admixed American, 0.0087%; no homozygotes.

Submission:

Labcorp Genetics (formerly Invitae), Labcorp
Classification: Uncertain significance for Wilson-Turner syndrome. Last evaluated: 2022-12-16. Review status: criteria provided, single submitter. Criteria: Invitae Variant Classification Sherloc (09022015). Collection method: clinical testing. Allele origin: germline.
Comment: Advanced modeling of protein sequence and biophysical properties (such as structural, functional, and spatial information, amino acid conservation, physicochemical variation, residue mobility, and thermodynamic stability) performed at Invitae indicates that this missense variant is not expected to disrupt LAS1L protein function. In summary, the available evidence is currently insufficient to determine the role of this variant in disease. Therefore, it has been classified as a Variant of Uncertain Significance. This variant has not been reported in the literature in individuals affected with LAS1L-related conditions. This sequence change replaces arginine, which is basic and polar, with histidine, which is basic and polar, at codon 502 of the LAS1L protein (p.Arg502His). This variant is present in population databases (rs202068829, gnomAD 0.01%).

NM_031206.7(LAS1L):c.1505G>A (p.Arg502His)

Gene: LAS1L (LAS1 like ribosome biogenesis factor; minus strand). Cytogenetic location: Xq12.
Variant type: single nucleotide variant.
Coding change: c.1505G>A on transcript NM_031206.7 (MANE Select); coding-DNA position 1505, G replaced by A.
Protein change: p.Arg502His; replaces arginine 502 with histidine.
Molecular consequence: missense variant. On other transcripts: non-coding transcript variant (1).
Genome position (GRCh38, 1-based): chrX:65,518,409, C>T on the plus strand (G>A on the coding strand, the complement: LAS1L is on the minus strand). VCF-style: chrX-65518409-C-T. GRCh37 (hg19) VCF-style: chrX-64738289-C-T.
Other names: c.1454G>A, p.Arg485His (NM_001170649.2, NM_001375333.1); c.1328G>A, p.Arg443His (NM_001170650.2); c.1505G>A, p.Arg502His (NM_001375328.1); c.548G>A, p.Arg183His (NM_001375332.1); short protein forms R183H, R502H, R443H, R485H.
Identifiers: ClinVar variation 2715633 (VCV002715633.3), dbSNP rs202068829, ClinGen allele CA10433903.
Genomic context (GRCh38, chrX:65,518,409, plus strand): 5'-GCCTCAGAGCCCTCCTGCACCAGGCTGTTTTCTCCACTCTGGGTATAAATGGAACAGATG[C>T]GCAGCAGCTTCTCCTGCTCCTCGTCTGGCAGGCCCTGCCCCATGGCTTTGAAGATGCTGA-3'
Protein context (NP_112483.1, residues 492-512): LPDEEQEKLL[Arg502His]ICSIYTQSGE